The following is an entry in ClinVar:

NM_001355436.2(SPTB):c.4268G>A (p.Arg1423Gln)

Gene: SPTB (spectrin beta, erythrocytic; minus strand). Cytogenetic location: 14q23.3.
Variant type: single nucleotide variant.
Coding change: c.4268G>A on transcript NM_001355436.2 (MANE Select); coding-DNA position 4268, G replaced by A.
Protein change: p.Arg1423Gln; replaces arginine 1423 with glutamine.
Molecular consequence: missense variant.
Genome position (GRCh38, 1-based): chr14:64,779,930, C>T on the plus strand (G>A on the coding strand, the complement: SPTB is on the minus strand). VCF-style: chr14-64779930-C-T. GRCh37 (hg19) VCF-style: chr14-65246648-C-T.
Other names: NM_000347.5:c.4268G>A; c.4268G>A, p.Arg1423Gln (NM_001024858.4, NM_001355437.2); short protein forms R1423Q.
Identifiers: ClinVar variation 2410752 (VCV002410752.4), dbSNP rs150323295, ClinGen allele CA7230351.

ClinVar aggregate classification (germline): Uncertain significance. Review status: criteria provided, multiple submitters, no conflicts (2 of 4 stars). 2 submissions from 2 submitters: Uncertain significance (2). Last evaluated 2025-03-15.

Conditions:
Inborn genetic diseases. Identifiers: MedGen C0950123, MeSH D030342.

Allele frequency attached by ClinVar (database versions not stated): gnomAD exomes 0.00003; gnomAD 0.00011; TOPMed 0.00014; ExAC 0.00002; ESP Exome Variant Server 0.00015.
gnomAD v4.1: 65 of 1,613,644 alleles (0.004%); highest among the groups gnomAD compares: African/African-American, 0.043%; no homozygotes.

Submissions (2):

Ambry Genetics
Classification: Uncertain significance for Inborn genetic diseases. Last evaluated: 2025-03-15. Review status: criteria provided, single submitter. Criteria: Ambry Variant Classification Scheme 2023. Collection method: clinical testing. Allele origin: germline.

ARUP Laboratories, Molecular Genetics and Genomics, ARUP Laboratories
Classification: Uncertain significance. Last evaluated: 2025-02-07. Review status: criteria provided, single submitter. Criteria: ARUP Molecular Germline Variant Investigation Process 2024. Collection method: clinical testing. Allele origin: germline.
Comment: The SPTB c.4268G>A; p.Arg1423Gln variant (rs150323295), to our knowledge, is not reported in the medical literature but is reported in ClinVar (Variation ID: 2410752). This variant is only observed on seven alleles in the Genome Aggregation Database (v2.1.1), indicating it is not a common polymorphism. Computational analyses predict that this variant is neutral (REVEL: 0.082). Due to limited information, the clinical significance of this variant is uncertain at this time.